The following is an entry in ClinVar:

NM_022051.3(EGLN1):c.179G>T (p.Gly60Val)

Gene: EGLN1 (egl-9 family hypoxia inducible factor 1; minus strand). Cytogenetic location: 1q42.2.
Variant type: single nucleotide variant.
Coding change: c.179G>T on transcript NM_022051.3 (MANE Select); coding-DNA position 179, G replaced by T.
Protein change: p.Gly60Val; replaces glycine 60 with valine.
Molecular consequence: missense variant.
Genome position (GRCh38, 1-based): chr1:231,421,710, C>A on the plus strand (G>T on the coding strand, the complement: EGLN1 is on the minus strand). VCF-style: chr1-231421710-C-A. GRCh37 (hg19) VCF-style: chr1-231557456-C-A.
Other names: c.179G>T, p.Gly60Val (NM_001377260.1, NM_001377261.1); short protein forms G60V.
Identifiers: ClinVar variation 1780340 (VCV001780340.8), dbSNP rs1398859822, ClinGen allele CA345238754.

ClinVar aggregate classification (germline): Uncertain significance. Review status: criteria provided, multiple submitters, no conflicts (2 of 4 stars). 2 submissions from 2 submitters: Uncertain significance (2). Last evaluated 2024-05-20.

Conditions:
Erythrocytosis, familial, 3 (ECYT3). Identifiers: Orphanet 247511, MedGen C1853286, MONDO:0012353, OMIM 609820.

Allele frequency attached by ClinVar (database versions not stated): gnomAD exomes below 0.00001.
gnomAD v4.1: 4 of 1,522,906 alleles (0.00026%); highest among the groups gnomAD compares: Non-Finnish European, 0.00035%; no homozygotes.

Submissions (2):

Ambry Genetics
Classification: Uncertain significance. Last evaluated: 2024-05-20. Review status: criteria provided, single submitter. Criteria: Ambry Variant Classification Scheme 2023. Collection method: clinical testing. Allele origin: germline.
Comment: The p.G60V variant (also known as c.179G>T), located in coding exon 1 of the EGLN1 gene, results from a G to T substitution at nucleotide position 179. The glycine at codon 60 is replaced by valine, an amino acid with dissimilar properties. This amino acid position is conserved. In addition, this alteration is predicted to be tolerated by in silico analysis. Since supporting evidence is limited at this time, the clinical significance of this alteration remains unclear.

Labcorp Genetics (formerly Invitae), Labcorp
Classification: Uncertain significance for Erythrocytosis, familial, 3. Last evaluated: 2022-02-24. Review status: criteria provided, single submitter. Criteria: Invitae Variant Classification Sherloc (09022015). Collection method: clinical testing. Allele origin: germline.
Comment: In summary, the available evidence is currently insufficient to determine the role of this variant in disease. Therefore, it has been classified as a Variant of Uncertain Significance. Algorithms developed to predict the effect of missense changes on protein structure and function are either unavailable or do not agree on the potential impact of this missense change (SIFT: "Tolerated"; PolyPhen-2: "Probably Damaging"; Align-GVGD: "Class C0"). This variant has not been reported in the literature in individuals affected with EGLN1-related conditions. The frequency data for this variant in the population databases is considered unreliable, as metrics indicate poor data quality at this position in the gnomAD database. This sequence change replaces glycine, which is neutral and non-polar, with valine, which is neutral and non-polar, at codon 60 of the EGLN1 protein (p.Gly60Val).